The following is an entry in ClinVar:

ClinVar aggregate classification (germline): Uncertain significance (1 of 4 stars; one submission).

Allele frequency attached by ClinVar (database versions not stated): gnomAD exomes below 0.00001.
gnomAD v4.1: 1 of 1,614,214 alleles (0.000062%); highest among the groups gnomAD compares: South Asian, 0.0011%; no homozygotes.

Submission:

GeneDx
Classification: Uncertain significance. Last evaluated: 2022-12-14. Review status: criteria provided, single submitter. Criteria: GeneDx Variant Classification Process June 2021. Collection method: clinical testing. Allele origin: germline. Affected: yes.
Comment: Not observed at significant frequency in large population cohorts (gnomAD); In silico analysis supports that this variant does not alter splicing; Has not been previously published as pathogenic or benign to our knowledge

NM_001349338.3(FOXP1):c.1635G>A (p.Arg545=)

Gene: FOXP1 (forkhead box P1; minus strand). Cytogenetic location: 3p13.
Variant type: single nucleotide variant.
Coding change: c.1635G>A on transcript NM_001349338.3 (MANE Select); coding-DNA position 1635, G replaced by A.
Protein change: p.Arg545=; no amino-acid change (arginine 545 retained).
Molecular consequence: synonymous variant. On other transcripts: non-coding transcript variant (2), intron variant (1).
Genome position (GRCh38, 1-based): chr3:70,972,572, C>T on the plus strand (G>A on the coding strand, the complement: FOXP1 is on the minus strand). VCF-style: chr3-70972572-C-T. GRCh37 (hg19) VCF-style: chr3-71021723-C-T.
Other names: c.1632G>A, p.Arg544= (NM_001244808.3, NM_001349341.3); c.1407G>A, p.Arg469= (NM_001244812.3); c.1335G>A, p.Arg445= (NM_001244813.3, NM_001244815.2, NM_001349342.3); c.1635G>A, p.Arg545= (NM_001244814.3, NM_001244816.2, NM_001349339.1 and 2 more transcripts); c.1332G>A, p.Arg444= (NM_001349337.2, NM_001349343.3, NM_001349344.3 and 1 more transcripts); c.1531-392G>A (NM_001244810.2).
Identifiers: ClinVar variation 2505993 (VCV002505993.1), dbSNP rs2107197065, ClinGen allele CA434166134.
Genomic context (GRCh38, chr3:70,972,572, plus strand): 5'-ACAATCCAAGCTAGGCTAAGAAGTTCAAACATGGTGGACGTACCCACTGATCTTTTGTGG[C>T]CTTCGTTTTTGGAATTCTACTTCATCCACTGTCCATACTGCCCCTTTAACGTTTTCTACT-3'
Protein context (NP_001336267.1, residues 535-555): TVDEVEFQKR[Arg545=]PQKISGNPSL